The following is an entry in ClinVar:

ClinVar aggregate classification (germline): Uncertain significance (1 of 4 stars; one submission).

Submission:

Labcorp Genetics (formerly Invitae), Labcorp
Classification: Uncertain significance. Last evaluated: 2024-10-28. Review status: criteria provided, single submitter. Criteria: Invitae Variant Classification Sherloc (09022015). Collection method: clinical testing. Allele origin: germline.
Comment: This sequence change replaces glutamine, which is neutral and polar, with lysine, which is basic and polar, at codon 158 of the BMP2 protein (p.Gln158Lys). This variant is not present in population databases (gnomAD no frequency). This variant has not been reported in the literature in individuals affected with BMP2-related conditions. An algorithm developed to predict the effect of missense changes on protein structure and function (PolyPhen-2) suggests that this variant is likely to be tolerated. In summary, the available evidence is currently insufficient to determine the role of this variant in disease. Therefore, it has been classified as a Variant of Uncertain Significance.

NM_001200.4(BMP2):c.472C>A (p.Gln158Lys)

Gene: BMP2 (bone morphogenetic protein 2; plus strand). Cytogenetic location: 20p12.3.
Variant type: single nucleotide variant.
Coding change: c.472C>A on transcript NM_001200.4 (MANE Select); coding-DNA position 472, C replaced by A.
Protein change: p.Gln158Lys; replaces glutamine 158 with lysine.
Molecular consequence: missense variant.
Genome position (GRCh38, 1-based): chr20:6,778,370, C>A. VCF-style: chr20-6778370-C-A. GRCh37 (hg19) VCF-style: chr20-6759017-C-A.
Other names: short protein forms Q158K.
Identifiers: ClinVar variation 3723187 (VCV003723187.2).
Genomic context (GRCh38, chr20:6,778,370, plus strand): 5'-TCTATCCCCACGGAGGAGTTTATCACCTCAGCAGAGCTTCAGGTTTTCCGAGAACAGATG[C>A]AAGATGCTTTAGGAAACAATAGCAGTTTCCATCACCGAATTAATATTTATGAAATCATAA-3'
Protein context (NP_001191.1, residues 148-168): AELQVFREQM[Gln158Lys]DALGNNSSFH